The following is an entry in ClinVar:

ClinVar aggregate classification (germline): Benign/Likely benign. Review status: criteria provided, multiple submitters, no conflicts (2 of 4 stars). 17 submissions from 16 submitters: Benign (4); Likely benign (9). 4 of the submissions do not count toward it. Last evaluated 2026-01-26.

Conditions:
BRIP1-related disorder. Also called: BRIP1-related condition; BRIP1-related disorders. Identifiers: MedGen CN239206.
Fanconi anemia complementation group J. Also called: BRIP1-Related Fanconi Anemia. Identifiers: Orphanet 84, MedGen C1836860, MONDO:0012187, OMIM 609054.
Familial cancer of breast. Also called: hereditary breast carcinoma; BREAST CANCER, FAMILIAL; Hereditary breast cancer. Identifiers: Orphanet 227535, MedGen C0346153, MONDO:0016419, OMIM 114480. Disease mechanism: loss of function.
Ovarian cancer. Also called: OVARIAN CANCER, SOMATIC. Identifiers: Orphanet 213500, MedGen C1140680, MONDO:0008170, OMIM 167000.
Hereditary cancer-predisposing syndrome. Also called: Tumor predisposition; Neoplastic Syndromes, Hereditary; Hereditary Cancer Syndrome; Hereditary neoplastic syndrome. Identifiers: Orphanet 140162, MedGen C0027672, MeSH D009386, MONDO:0015356.

Allele frequency attached by ClinVar (database versions not stated): gnomAD 0.00005 and 0.00004; TOPMed 0.00005; ExAC 0.00008; gnomAD exomes 0.00013; 1000 Genomes Project 30x 0.00031; 1000 Genomes Project 0.00040.
gnomAD v4.1: 48 of 1,614,064 alleles (0.003%); highest among the groups gnomAD compares: East Asian, 0.1%; no homozygotes.

Submissions (17):

Labcorp Genetics (formerly Invitae), Labcorp
Classification: Likely benign for Familial cancer of breast; Fanconi anemia complementation group J. Last evaluated: 2026-01-26. Review status: criteria provided, single submitter. Criteria: Invitae Variant Classification Sherloc (09022015). Collection method: clinical testing. Allele origin: germline.

Center for Genomic Medicine, Rigshospitalet, Copenhagen University Hospital
Classification: Likely benign. Last evaluated: 2025-03-04. Review status: criteria provided, single submitter. Criteria: ACMG Guidelines, 2015. Collection method: clinical testing. Allele origin: germline.

Blueprint Genetics
Classification: Likely benign. Last evaluated: 2024-06-17. Review status: criteria provided, single submitter. Criteria: ACMG Guidelines, 2015. Collection method: clinical testing. Allele origin: germline.

ARUP Laboratories, Molecular Genetics and Genomics, ARUP Laboratories
Classification: Benign. Last evaluated: 2023-10-27. Review status: criteria provided, single submitter. Criteria: ARUP Molecular Germline Variant Investigation Process 2024. Collection method: clinical testing. Allele origin: germline.

CeGaT Center for Human Genetics Tuebingen
Classification: Likely benign. Last evaluated: 2023-09-01. Review status: criteria provided, single submitter. Criteria: CeGaT Center For Human Genetics Tuebingen Variant Classification Criteria Version 2. Collection method: clinical testing. Allele origin: germline. Affected: yes. Observed: 1 variant allele.
Comment: BRIP1: BP4

Myriad Genetics, Inc.
Classification: Benign for Familial cancer of breast. Last evaluated: 2023-02-28. Review status: criteria provided, single submitter. Criteria: Myriad Autosomal Dominant, Autosomal Recessive and X-Linked Classification Criteria (2023). Collection method: clinical testing. Allele origin: unknown.
Comment: This variant is considered benign. This variant is a silent/synonymous amino acid change and it is not expected to impact splicing.

Department of Pathology and Laboratory Medicine, Sinai Health System
Classification: Likely benign for Familial cancer of breast. Last evaluated: 2022-04-05. Review status: criteria provided, single submitter. Criteria: ACMG Guidelines, 2015. Collection method: clinical testing. Allele origin: germline. Affected: yes.

Women's Health and Genetics/Laboratory Corporation of America, LabCorp
Classification: Benign. Last evaluated: 2021-08-23. Review status: criteria provided, single submitter. Criteria: LabCorp Variant Classification Summary - May 2015. Collection method: clinical testing. Allele origin: germline.

Sema4
Classification: Likely benign for Hereditary cancer-predisposing syndrome. Last evaluated: 2021-02-18. Review status: criteria provided, single submitter. Criteria: Sema4 Curation Guidelines. Collection method: curation. Allele origin: germline.

GeneDx
Classification: Likely benign. Last evaluated: 2019-09-10. Review status: criteria provided, single submitter. Criteria: GeneDx Variant Classification Process June 2021. Collection method: clinical testing. Allele origin: germline. Affected: yes.

Quest Diagnostics Nichols Institute San Juan Capistrano
Classification: Benign. Last evaluated: 2018-08-05. Review status: criteria provided, single submitter. Criteria: Quest Diagnostics criteria. Collection method: clinical testing. Allele origin: germline.

Color Diagnostics, LLC DBA Color Health
Classification: Likely benign for Hereditary cancer-predisposing syndrome. Last evaluated: 2016-12-13. Review status: criteria provided, single submitter. Criteria: ACMG Guidelines, 2015. Collection method: clinical testing. Allele origin: germline.

Ambry Genetics
Classification: Likely benign for Hereditary cancer-predisposing syndrome. Last evaluated: 2014-11-20. Review status: criteria provided, single submitter. Criteria: Ambry Variant Classification Scheme 2023. Collection method: clinical testing. Allele origin: germline.

PreventionGenetics, part of Exact Sciences
Classification: Likely benign for BRIP1-related condition. Last evaluated: 2019-09-13. Review status: no assertion criteria provided. Collection method: clinical testing. Allele origin: germline. Not counted in ClinVar's aggregate classification.
Comment: This variant is classified as likely benign based on ACMG/AMP sequence variant interpretation guidelines (Richards et al. 2015 PMID: 25741868, with internal and published modifications).

King Laboratory, University of Washington
Classification: Benign. Last evaluated: 2019-09-01. Review status: no assertion criteria provided. Collection method: research. Allele origin: germline. Affected: yes. Not counted in ClinVar's aggregate classification.
Comment: Transcript analysis by cBROCA

Counsyl
Classification: Likely benign for Fanconi anemia complementation group J. Last evaluated: 2016-08-29. Review status: no assertion criteria provided. Collection method: clinical testing. Allele origin: unknown. Not counted in ClinVar's aggregate classification.

Counsyl
Classification: Likely benign for Ovarian cancer. Last evaluated: 2016-08-29. Review status: no assertion criteria provided. Collection method: clinical testing. Allele origin: unknown. Not counted in ClinVar's aggregate classification.

Literature cited by the submitters: PubMed 31843900 (cited by King Laboratory, University of Washington).

NM_032043.3(BRIP1):c.297C>T (p.Asp99=)

Gene: BRIP1 (BRCA1 interacting DNA helicase 1; minus strand). Cytogenetic location: 17q23.2.
Variant type: single nucleotide variant.
Coding change: c.297C>T on transcript NM_032043.3 (MANE Select); coding-DNA position 297, C replaced by T.
Protein change: p.Asp99=; no amino-acid change (aspartic acid 99 retained).
Molecular consequence: synonymous variant.
Genome position (GRCh38, 1-based): chr17:61,857,140, G>A on the plus strand (C>T on the coding strand, the complement: BRIP1 is on the minus strand). VCF-style: chr17-61857140-G-A. GRCh37 (hg19) VCF-style: chr17-59934501-G-A.
Identifiers: ClinVar variation 184212 (VCV000184212.59), dbSNP rs201617644, ClinGen allele CA188212.